The following is an entry in ClinVar:

ClinVar aggregate classification (germline): Pathogenic (1 of 4 stars; one submission).

Conditions:
Distal myopathy with posterior leg and anterior hand involvement. Also called: WILLIAMS DISTAL MYOPATHY. Identifiers: Orphanet 63273, MedGen C3279722, MONDO:0013550, OMIM 614065.
Myofibrillar myopathy 5. Also called: Filaminopathy (type); FILAMINOPATHY, AUTOSOMAL DOMINANT. Identifiers: Orphanet 171445, MedGen C1836050, MONDO:0012289, OMIM 609524.
Hypertrophic cardiomyopathy 26. Also called: Cardiomyopathy, familial hypertrophic, 26. Identifiers: Orphanet 75249, MedGen C4310749, MONDO:0014883, OMIM 617047.

Submission:

Labcorp Genetics (formerly Invitae), Labcorp
Classification: Pathogenic for Distal myopathy with posterior leg and anterior hand involvement; Myofibrillar myopathy 5; Hypertrophic cardiomyopathy 26. Last evaluated: 2024-04-05. Review status: criteria provided, single submitter. Criteria: Invitae Variant Classification Sherloc (09022015). Collection method: clinical testing. Allele origin: germline.
Comment: This sequence change creates a premature translational stop signal (p.Thr2188Serfs*62) in the FLNC gene. It is expected to result in an absent or disrupted protein product. Loss-of-function variants in FLNC are known to be pathogenic (PMID: 27908349). This variant is not present in population databases (gnomAD no frequency). This variant has not been reported in the literature in individuals affected with FLNC-related conditions. ClinVar contains an entry for this variant (Variation ID: 1995398). For these reasons, this variant has been classified as Pathogenic.

Literature cited by the submitters: PubMed 27908349.

NM_001458.5(FLNC):c.6561_6564del (p.Thr2188fs)

Genes: FLNC (filamin C; plus strand), FLNC-AS1 (FLNC antisense RNA 1; minus strand). Cytogenetic location: 7q32.1.
Variant type: Deletion.
Coding change: c.6561_6564del on transcript NM_001458.5 (MANE Select); coding-DNA positions 6561 to 6564, 4 bases deleted (CACG; older notation c.6561_6564delCACG).
Protein change: p.Thr2188fs; shifts the reading frame from threonine 2188.
Molecular consequence: frameshift variant.
Genome position (GRCh38, 1-based): chr7:128,854,050-128,854,053, CACG deleted; deleting any 4 consecutive bases within chr7:128,854,048-128,854,053 gives the same sequence; the c. name uses the placement nearest the transcript's 3' end. VCF-style (leftmost placement, unchanged base first): chr7-128854047-CCGCA-C. GRCh37 (hg19) VCF-style: chr7-128494101-CCGCA-C.
Other names: c.6462_6465del, p.Thr2155fs (NM_001127487.2); short protein forms T2155fs, T2188fs.
Identifiers: ClinVar variation 1995398 (VCV001995398.4), dbSNP rs2536663696, ClinGen allele CA2580076682.